The following is an entry in ClinVar:

NM_201596.3(CACNB2):c.945-34C>T

Gene: CACNB2 (calcium voltage-gated channel auxiliary subunit beta 2; plus strand). Cytogenetic location: 10p12.31.
Variant type: single nucleotide variant.
Coding change: c.945-34C>T on transcript NM_201596.3 (MANE Select); 34 bases into the intron before coding-DNA position 945, C replaced by T.
Molecular consequence: intron variant.
Genome position (GRCh38, 1-based): chr10:18,527,554, C>T. VCF-style: chr10-18527554-C-T. GRCh37 (hg19) VCF-style: chr10-18816483-C-T.
Other names: c.861-34C>T (NM_201571.4); c.747-34C>T (NM_001167945.2); c.789-34C>T (NM_201572.4); c.831-34C>T (NM_201593.3); c.873-34C>T (NM_201597.3); c.780-34C>T (NM_000724.4); c.666-34C>T (NM_001330060.2); c.783-34C>T (NM_201590.3); and 1 more.
Identifiers: ClinVar variation 676619 (VCV000676619.1), dbSNP rs150371055, ClinGen allele CA5429852.
Genomic context (GRCh38, chr10:18,527,554, plus strand): 5'-TATTTCATACTTAGATGAATTTGGGGCATACACTTCTATCCCCTTTGATTAGACCAATAA[C>T]CTTAAGGTCTTCTGTGACTTTTTCCTCCAACAGGATATCCATCACAAGGGTCACCGCTGA-3'

ClinVar aggregate classification (germline): Likely benign (1 of 4 stars; one submission).

Allele frequency attached by ClinVar (database versions not stated): ESP Exome Variant Server 0.00023; gnomAD 0.00074 and 0.00176; TOPMed 0.00084; gnomAD exomes 0.00449; ExAC 0.00481; 1000 Genomes Project 30x 0.00999; 1000 Genomes Project 0.01098.
gnomAD v4.1: 3,368 of 1,393,844 alleles (0.24%); highest among the groups gnomAD compares: South Asian, 2.6%; 55 homozygotes.

Submission:

GeneDx
Classification: Likely benign. Last evaluated: 2018-06-16. Review status: criteria provided, single submitter. Criteria: GeneDx Variant Classification (06012015). Collection method: clinical testing. Allele origin: germline. Affected: yes.
Comment: This variant is considered likely benign or benign based on one or more of the following criteria: it is a conservative change, it occurs at a poorly conserved position in the protein, it is predicted to be benign by multiple in silico algorithms, and/or has population frequency not consistent with disease.